The following is an entry in ClinVar:

ClinVar aggregate classification (germline): Uncertain significance (1 of 4 stars; one submission).

Allele frequency attached by ClinVar (database versions not stated): ExAC 0.00002; gnomAD 0.00003; TOPMed 0.00003; ESP Exome Variant Server 0.00015.
gnomAD v4.1: 74 of 1,614,100 alleles (0.0046%); highest among the groups gnomAD compares: Non-Finnish European, 0.0056%; no homozygotes.

Submission:

Labcorp Genetics (formerly Invitae), Labcorp
Classification: Uncertain significance. Last evaluated: 2023-08-14. Review status: criteria provided, single submitter. Criteria: Invitae Variant Classification Sherloc (09022015). Collection method: clinical testing. Allele origin: germline.
Comment: This sequence change replaces threonine, which is neutral and polar, with isoleucine, which is neutral and non-polar, at codon 537 of the KL protein (p.Thr537Ile). This variant is present in population databases (rs151309147, gnomAD 0.004%). This variant has not been reported in the literature in individuals affected with KL-related conditions. Advanced modeling of protein sequence and biophysical properties (such as structural, functional, and spatial information, amino acid conservation, physicochemical variation, residue mobility, and thermodynamic stability) performed at Invitae indicates that this missense variant is not expected to disrupt KL protein function. In summary, the available evidence is currently insufficient to determine the role of this variant in disease. Therefore, it has been classified as a Variant of Uncertain Significance.

NM_004795.4(KL):c.1610C>T (p.Thr537Ile)

Gene: KL (klotho; plus strand). Cytogenetic location: 13q13.1.
Variant type: single nucleotide variant.
Coding change: c.1610C>T on transcript NM_004795.4 (MANE Select); coding-DNA position 1610, C replaced by T.
Protein change: p.Thr537Ile; replaces threonine 537 with isoleucine.
Molecular consequence: missense variant.
Genome position (GRCh38, 1-based): chr13:33,060,689, C>T. VCF-style: chr13-33060689-C-T. GRCh37 (hg19) VCF-style: chr13-33634826-C-T.
Other names: short protein forms T537I.
Identifiers: ClinVar variation 2901141 (VCV002901141.3), dbSNP rs151309147, ClinGen allele CA6944151.